The following is an entry in ClinVar:

ClinVar aggregate classification (germline): Uncertain significance (1 of 4 stars; one submission).

Submission:

Labcorp Genetics (formerly Invitae), Labcorp
Classification: Uncertain significance. Last evaluated: 2022-08-31. Review status: criteria provided, single submitter. Criteria: Invitae Variant Classification Sherloc (09022015). Collection method: clinical testing. Allele origin: germline.
Comment: In summary, the available evidence is currently insufficient to determine the role of this variant in disease. Therefore, it has been classified as a Variant of Uncertain Significance. Algorithms developed to predict the effect of sequence changes on RNA splicing suggest that this variant may create or strengthen a splice site. Algorithms developed to predict the effect of missense changes on protein structure and function output the following: SIFT: "Tolerated"; PolyPhen-2: "Benign"; Align-GVGD: "Class C0". The serine amino acid residue is found in multiple mammalian species, which suggests that this missense change does not adversely affect protein function. ClinVar contains an entry for this variant (Variation ID: 1517289). This variant has not been reported in the literature in individuals affected with IMPG1-related conditions. This variant is not present in population databases (gnomAD no frequency). This sequence change replaces asparagine, which is neutral and polar, with serine, which is neutral and polar, at codon 588 of the IMPG1 protein (p.Asn588Ser).

NM_001563.4(IMPG1):c.1763A>G (p.Asn588Ser)

Gene: IMPG1 (interphotoreceptor matrix proteoglycan 1; minus strand). Cytogenetic location: 6q14.1.
Variant type: single nucleotide variant.
Coding change: c.1763A>G on transcript NM_001563.4 (MANE Select); coding-DNA position 1763, A replaced by G.
Protein change: p.Asn588Ser; replaces asparagine 588 with serine.
Molecular consequence: missense variant.
Genome position (GRCh38, 1-based): chr6:75,950,623, T>C on the plus strand (A>G on the coding strand, the complement: IMPG1 is on the minus strand). VCF-style: chr6-75950623-T-C. GRCh37 (hg19) VCF-style: chr6-76660340-T-C.
Other names: c.1529A>G, p.Asn510Ser (NM_001282368.2); short protein forms N510S, N588S.
Identifiers: ClinVar variation 1517289 (VCV001517289.8), dbSNP rs2149457440, ClinGen allele CA364776792.
Genomic context (GRCh38, chr6:75,950,623, plus strand): 5'-AGCTGTGTGAATTGTTGCTCCAGAGCTCGGTACTCCAGAGAGCTCTTGTTGAACAGGTCG[T>C]TGGAGAAGGCCATGTTAGCAACACGCAGACTGAAGAACACTACCAGCTCTCGGCCCTTGG-3'
Protein context (NP_001554.2, residues 578-598): SLRVANMAFS[Asn588Ser]DLFNKSSLEY